The following is an entry in ClinVar:

NM_001039591.3(USP9X):c.991T>C (p.Leu331=)

Gene: USP9X (ubiquitin specific peptidase 9 X-linked; plus strand). Cytogenetic location: Xp11.4.
Variant type: single nucleotide variant.
Coding change: c.991T>C on transcript NM_001039591.3 (MANE Select); coding-DNA position 991, T replaced by C.
Protein change: p.Leu331=; no amino-acid change (leucine 331 retained).
Molecular consequence: synonymous variant.
Genome position (GRCh38, 1-based): chrX:41,141,186, T>C. VCF-style: chrX-41141186-T-C. GRCh37 (hg19) VCF-style: chrX-41000439-T-C.
Other names: c.991T>C, p.Leu331= (NM_001039590.3).
Identifiers: ClinVar variation 1326610 (VCV001326610.2), dbSNP rs1302825477, ClinGen allele CA516348253.

ClinVar aggregate classification (germline): Uncertain significance (1 of 4 stars; one submission).

Allele frequency attached by ClinVar (database versions not stated): TOPMed below 0.00001; gnomAD 0.00001; gnomAD exomes 0.00001.
gnomAD v4.1: 5 of 1,189,051 alleles (0.00042%); highest among the groups gnomAD compares: Non-Finnish European, 0.00045%; no homozygotes.

Submission:

GeneDx
Classification: Uncertain significance. Last evaluated: 2021-05-24. Review status: criteria provided, single submitter. Criteria: GeneDx Variant Classification Process June 2021. Collection method: clinical testing. Allele origin: germline. Affected: yes.
Comment: In silico analysis supports that this variant does not alter splicing; Has not been previously published as pathogenic or benign to our knowledge